The following is an entry in ClinVar:

NM_001385012.1(NBEA):c.2971A>G (p.Thr991Ala)

Gene: NBEA (neurobeachin; plus strand). Cytogenetic location: 13q13.3.
Variant type: single nucleotide variant.
Coding change: c.2971A>G on transcript NM_001385012.1 (MANE Select); coding-DNA position 2971, A replaced by G.
Protein change: p.Thr991Ala; replaces threonine 991 with alanine.
Molecular consequence: missense variant.
Genome position (GRCh38, 1-based): chr13:35,159,142, A>G. VCF-style: chr13-35159142-A-G. GRCh37 (hg19) VCF-style: chr13-35733279-A-G.
Other names: c.2971A>G, p.Thr991Ala (NM_001379245.1, NM_015678.5); short protein forms T991A.
Identifiers: ClinVar variation 2582913 (VCV002582913.25), dbSNP rs1292608741, ClinGen allele CA387836448.

ClinVar aggregate classification (germline): Likely benign (1 of 4 stars; one submission).

Allele frequency attached by ClinVar (database versions not stated): gnomAD exomes below 0.00001.
gnomAD v4.1: 4 of 1,613,526 alleles (0.00025%); highest among the groups gnomAD compares: Non-Finnish European, 0.00034%; no homozygotes.

Submission:

CeGaT Center for Human Genetics Tuebingen
Classification: Likely benign. Last evaluated: 2023-09-01. Review status: criteria provided, single submitter. Criteria: CeGaT Center For Human Genetics Tuebingen Variant Classification Criteria Version 2. Collection method: clinical testing. Allele origin: germline. Affected: yes. Observed: 1 variant allele.
Comment: NBEA: BP4